The following is an entry in ClinVar:

ClinVar aggregate classification (germline): Likely pathogenic (1 of 4 stars; one submission).

Conditions:
Intellectual disability, autosomal dominant 14 (CSS2). Also called: COFFIN-SIRIS SYNDROME 2. Identifiers: Orphanet 1465, MedGen C3553247, MONDO:0013819, OMIM 614607.

Submission:

3billion
Classification: Likely pathogenic for Intellectual disability, autosomal dominant 14. Last evaluated: 2023-10-23. Review status: criteria provided, single submitter. Criteria: ACMG Guidelines, 2015. Collection method: clinical testing. Allele origin: germline. Affected: yes.
Comment: The variant is not observed in the gnomAD v2.1.1 dataset. Predicted Consequence/Location: Frameshift: predicted to result in a loss or disruption of normal protein function through protein truncation. The predicted truncated protein may be shortened by more than 10%. Therefore, this variant is classified as Likely pathogenic according to the recommendation of ACMG/AMP guideline.

NM_006015.6(ARID1A):c.5474_5475dup (p.Asp1826fs)

Gene: ARID1A (AT-rich interaction domain 1A; plus strand). Cytogenetic location: 1p36.11.
Variant type: Duplication.
Coding change: c.5474_5475dup on transcript NM_006015.6 (MANE Select); coding-DNA positions 5474 to 5475, 2 bases duplicated (TG; older notation c.5474_5475dupTG).
Protein change: p.Asp1826fs; shifts the reading frame from aspartic acid 1826.
Molecular consequence: frameshift variant.
Genome position (GRCh38, 1-based): chr1:26,779,372-26,779,373, TG duplicated; duplicating any 2 consecutive bases within chr1:26,779,371-26,779,373 gives the same sequence; the c. name uses the placement nearest the transcript's 3' end. VCF-style (leftmost placement, unchanged base first): chr1-26779370-G-GGT. GRCh37 (hg19) VCF-style: chr1-27105861-G-GGT.
Other names: c.4823_4824dup, p.Asp1609fs (NM_139135.4); short protein forms D1609fs, D1826fs.
Identifiers: ClinVar variation 3775604 (VCV003775604.1).